The following is an entry in ClinVar:

NM_014334.4(FRRS1L):c.116dup (p.Arg40fs)

Gene: FRRS1L (ferric chelate reductase 1 like; minus strand). Cytogenetic location: 9q31.3.
Variant type: Duplication.
Coding change: c.116dup on transcript NM_014334.4 (MANE Select); coding-DNA position 116, one base duplicated (G; older notation c.116dupG).
Protein change: p.Arg40fs; shifts the reading frame from arginine 40.
Molecular consequence: frameshift variant.
Genome position (GRCh38, 1-based): chr9:109,167,023, C duplicated on the plus strand (G on the coding strand, the reverse complement: FRRS1L is on the minus strand); the first of 6 consecutive C bases (chr9:109,167,023-109,167,028); duplicating any one gives the same sequence. VCF-style (leftmost placement, unchanged base first): chr9-109167022-G-GC. GRCh37 (hg19) VCF-style: chr9-111929302-G-GC.
Other names: short protein forms R40fs.
Identifiers: ClinVar variation 4532269 (VCV004532269.1).

ClinVar aggregate classification (germline): Likely pathogenic (1 of 4 stars; one submission).

Conditions:
Developmental and epileptic encephalopathy, 37 (DEE37). Also called: Epileptic encephalopathy, early infantile, 37. Identifiers: MedGen C4310770, MONDO:0014859, OMIM 616981.

Submission:

Department of Pediatrics, GMC Srinagar, Government Medical College Srinagar
Classification: Likely pathogenic for Developmental and epileptic encephalopathy, 37. Last evaluated: 2025-11-25. Review status: criteria provided, single submitter. Criteria: ACMG Guidelines, 2015. Collection method: clinical testing. Allele origin: biparental. Inheritance: Autosomal recessive inheritance. Affected: yes. Observed: 1 homozygote.
Comment: This variant (hg38 - chr9:109167022 G>GC) is classified as likely pathogenic as it a frameshift-truncation variant and is extremely rare in population databases [e.g., gnomAD v.4.1.0: overall (exomes+genomes) allele count of 1]. Indication for testing: Developmental and epileptic encephalopathy.